The following is an entry in ClinVar:

ClinVar aggregate classification (germline): Uncertain significance (1 of 4 stars; one submission).

Conditions:
Malignant hyperthermia, susceptibility to, 1 (MHS1). Also called: Anesthesia related hyperthermia; Malignant hyperpyrexia; Fulminating hyperpyrexia; Pharmacogenic myopathy; RYR1-Related Malignant Hyperthermia Susceptibility; Malignant hyperthermia suceptibility 1. Identifiers: Orphanet 423, MedGen C2930980, MONDO:0007783, OMIM 145600.

Submission:

All of Us Research Program, National Institutes of Health
Classification: Uncertain significance for Malignant hyperthermia, susceptibility to, 1. Last evaluated: 2023-08-15. Review status: criteria provided, single submitter. Criteria: ACMG Guidelines, 2015. Collection method: clinical testing. Allele origin: germline. Inheritance: Autosomal dominant inheritance. Observed: 1 variant allele, 1 heterozygote.
Comment: This missense variant replaces lysine with asparagine at codon 3693 of the RYR1 protein. Computational prediction suggests that this variant may not impact protein structure and function (internally defined REVEL score threshold <= 0.5, PMID: 27666373). To our knowledge, functional studies have not been reported for this variant. This variant has not been reported in individuals affected with RYR1-related disorders in the literature. This variant has not been identified in the general population by the Genome Aggregation Database (gnomAD). The available evidence is insufficient to determine the role of this variant in disease conclusively. Therefore, this variant is classified as a Variant of Uncertain Significance.

This study involves interpretation of variants in research participants for the purpose of population health screening. Participant phenotype was not available at the time of variant classification. Additional details can be found in publication PMID: 35346344, PMCID: PMC8962531

NM_000540.3(RYR1):c.11079G>T (p.Lys3693Asn)

Gene: RYR1 (ryanodine receptor 1; plus strand). Cytogenetic location: 19q13.2.
Variant type: single nucleotide variant.
Coding change: c.11079G>T on transcript NM_000540.3 (MANE Select); coding-DNA position 11079, G replaced by T.
Protein change: p.Lys3693Asn; replaces lysine 3693 with asparagine.
Molecular consequence: missense variant.
Genome position (GRCh38, 1-based): chr19:38,528,995, G>T. VCF-style: chr19-38528995-G-T. GRCh37 (hg19) VCF-style: chr19-39019635-G-T.
Other names: c.11064G>T, p.Lys3688Asn (NM_001042723.2); short protein forms K3688N, K3693N.
Identifiers: ClinVar variation 3072737 (VCV003072737.1), dbSNP rs2514500150, ClinGen allele CA405650159.